The following is an entry in ClinVar:

NM_021072.4(HCN1):c.1626C>T (p.Cys542=)

Gene: HCN1 (hyperpolarization activated cyclic nucleotide gated potassium channel 1; minus strand). Cytogenetic location: 5p12.
Variant type: single nucleotide variant.
Coding change: c.1626C>T on transcript NM_021072.4 (MANE Select); coding-DNA position 1626, C replaced by T.
Protein change: p.Cys542=; no amino-acid change (cysteine 542 retained).
Molecular consequence: synonymous variant.
Genome position (GRCh38, 1-based): chr5:45,267,246, G>A on the plus strand (C>T on the coding strand, the complement: HCN1 is on the minus strand). VCF-style: chr5-45267246-G-A. GRCh37 (hg19) VCF-style: chr5-45267348-G-A.
Identifiers: ClinVar variation 588309 (VCV000588309.39), dbSNP rs150863293, ClinGen allele CA3259242.

ClinVar aggregate classification (germline): Benign/Likely benign. Review status: criteria provided, multiple submitters, no conflicts (2 of 4 stars). 4 submissions from 4 submitters: Benign (1); Likely benign (3). Last evaluated 2025-11-17.

Conditions:
Early-infantile DEE. Also called: Early infantile epileptic encephalopathy; Ohtahara syndrome; Early infantile epileptic encephalopathy with suppression bursts. Identifiers: Orphanet 1934, MedGen C0393706, MONDO:0800491.
Inborn genetic diseases. Identifiers: MedGen C0950123, MeSH D030342.

Allele frequency attached by ClinVar (database versions not stated): ExAC 0.00016; gnomAD exomes 0.00016 and 0.00036; TOPMed 0.00022; gnomAD 0.00023 and 0.00024; ESP Exome Variant Server 0.00038.
gnomAD v4.1: 587 of 1,613,488 alleles (0.036%); highest among the groups gnomAD compares: Non-Finnish European, 0.045%; 1 homozygote.

Submissions (4):

Labcorp Genetics (formerly Invitae), Labcorp
Classification: Benign for Early-infantile DEE. Last evaluated: 2025-11-17. Review status: criteria provided, single submitter. Criteria: Invitae Variant Classification Sherloc (09022015). Collection method: clinical testing. Allele origin: germline.

Blueprint Genetics
Classification: Likely benign. Last evaluated: 2024-07-30. Review status: criteria provided, single submitter. Criteria: ACMG Guidelines, 2015. Collection method: clinical testing. Allele origin: germline.

CeGaT Center for Human Genetics Tuebingen
Classification: Likely benign. Last evaluated: 2023-11-01. Review status: criteria provided, single submitter. Criteria: CeGaT Center For Human Genetics Tuebingen Variant Classification Criteria Version 2. Collection method: clinical testing. Allele origin: germline. Affected: yes. Observed: 1 variant allele.
Comment: HCN1: BP4, BP7

Ambry Genetics
Classification: Likely benign for Inborn genetic diseases. Last evaluated: 2016-05-09. Review status: criteria provided, single submitter. Criteria: Ambry Variant Classification Scheme 2023. Collection method: clinical testing. Allele origin: germline.